The following is an entry in ClinVar:

ClinVar aggregate classification (germline): Pathogenic. Review status: reviewed by expert panel (3 of 4 stars). 3 submissions from 3 submitters: Pathogenic (1). 2 of the submissions do not count toward it. Last evaluated 2016-04-22.

Conditions:
Breast-ovarian cancer, familial, susceptibility to, 1 (BROVCA1). Also called: BRCA1 Hereditary Breast and Ovarian Cancer; OVARIAN CANCER, SUSCEPTIBILITY TO. Identifiers: Orphanet 145, MedGen C2676676, MONDO:0011450, OMIM 604370. Disease mechanism: loss of function.

Submissions (3):

Evidence-based Network for the Interpretation of Germline Mutant Alleles (ENIGMA)
Classification: Pathogenic for Breast-ovarian cancer, familial, susceptibility to, 1. Last evaluated: 2016-04-22. Review status: reviewed by expert panel. Criteria: ENIGMA BRCA1/2 Classification Criteria (2015). Collection method: curation. Allele origin: germline.
Comment: Variant allele predicted to encode a truncated non-functional protein.

Consortium of Investigators of Modifiers of BRCA1/2 (CIMBA), c/o University of Cambridge
Classification: Pathogenic for Breast-ovarian cancer, familial, susceptibility to, 1. Last evaluated: 2015-10-02. Review status: criteria provided, single submitter. Criteria: CIMBA Mutation Classification guidelines May 2016. Collection method: clinical testing. Allele origin: germline. Not counted in ClinVar's aggregate classification.

KCCC/NGS Laboratory, Kuwait Cancer Control Center
Classification: Pathogenic for Breast-ovarian cancer, familial, susceptibility to, 1. Last evaluated: 2023-05-05. Review status: no assertion criteria provided. Collection method: clinical testing. Allele origin: germline. Affected: yes. Not counted in ClinVar's aggregate classification.
Comment: A known pathogenic variant was detected in the BRCA1 gene (p.Glu384Ter). This sequence change creates a premature translational stop signal (p.Glu384Ter) in the BRCA1 gene. It is expected to result in an absent or disrupted protein product. This variant is not present in population databases (ExAC no frequency). In-silico prediction algorithms show pathogenic computational verdict based on 5 pathogenic predictions from BayesDel_addAF, DANN, EIGEN, FATHMM-MKL and MutationTaster vs no benign predictions. ClinVar contains an entry for this variant (Variation ID: 236266) with 2 submissions describing this variant as pathogenic, 3 stars, no conflict, and reviewed by expert panel. Loss-of-function variants in BRCA1 are known to be pathogenic (PMID: 20104584). Therefore, this variant has been classified as Pathogenic.

Literature cited by the submitters: PubMed 20104584 (cited by KCCC/NGS Laboratory, Kuwait Cancer Control Center).

NM_007294.4(BRCA1):c.1150G>T (p.Glu384Ter)

Gene: BRCA1 (BRCA1 DNA repair associated; minus strand). Cytogenetic location: 17q21.31.
Variant type: single nucleotide variant.
Coding change: c.1150G>T on transcript NM_007294.4 (MANE Select); coding-DNA position 1150, G replaced by T.
Protein change: p.Glu384Ter; replaces glutamic acid 384 with a stop codon.
Molecular consequence: nonsense. On other transcripts: intron variant (137).
Genome position (GRCh38, 1-based): chr17:43,094,381, C>A on the plus strand (G>T on the coding strand, the complement: BRCA1 is on the minus strand). VCF-style: chr17-43094381-C-A. GRCh37 (hg19) VCF-style: chr17-41246398-C-A.
Other names: 1269G>T; c.1150G>T (NM_007300.3); c.706+363G>T (NM_001408413.1, NM_001408416.1); c.586+363G>T (NM_001408476.1, NM_001408474.1); c.709+363G>T (NM_001408409.1, NM_001408414.1, NM_001408411.1 and 2 more transcripts); c.574+363G>T (NM_001408493.1, NM_001408490.1, NM_001408491.1); c.454+363G>T (NM_001408502.1); c.577+363G>T (NM_001408489.1, NM_001408479.1, NM_001408482.1 and 9 more transcripts); and 42 more; short protein forms E384*, E337*, E216*, E257*, E295*, E313*, E317*, E343*.
Identifiers: ClinVar variation 236266 (VCV000236266.6), dbSNP rs878853288, ClinGen allele CA10581604.